The following is an entry in ClinVar:

ClinVar aggregate classification (germline): Conflicting classifications of pathogenicity. Review status: criteria provided, conflicting classifications (1 of 4 stars). 4 submissions from 4 submitters: Uncertain significance (2); Benign (1). 1 of the submissions does not count toward it. Last evaluated 2022-06-27.

Conditions:
Maturity-onset diabetes of the young (MODY). Also called: Maturity onset diabetes mellitus in young. Identifiers: Orphanet 552, MedGen C0342276, MONDO:0018911, HP:0004904.
Type 2 diabetes mellitus. Also called: Type II diabetes mellitus. Identifiers: MedGen C0011860, MeSH D003924, MONDO:0005148, OMIM 125853, HP:0005978.

Allele frequency attached by ClinVar (database versions not stated): 1000 Genomes Project 0.00080; gnomAD 0.00025 and 0.00013; TOPMed 0.00013; 1000 Genomes Project 30x 0.00062.
gnomAD v4.1: 787 of 1,594,826 alleles (0.049%); highest among the groups gnomAD compares: East Asian, 1.5%; 9 homozygotes.

Submissions (4):

Labcorp Genetics (formerly Invitae), Labcorp
Classification: Uncertain significance. Last evaluated: 2022-06-27. Review status: criteria provided, single submitter. Criteria: Invitae Variant Classification Sherloc (09022015). Collection method: clinical testing. Allele origin: germline.
Comment: This sequence change replaces arginine, which is basic and polar, with tryptophan, which is neutral and slightly polar, at codon 121 of the PAX4 protein (p.Arg121Trp). The frequency data for this variant in the population databases is considered unreliable, as metrics indicate poor data quality at this position in the gnomAD database. This missense change has been observed in individual(s) with clinical features of type 1 or type 2 diabetes as well as in non-diabetic controls (PMID: 11723072, 16423628, 31264968, 33031055). ClinVar contains an entry for this variant (Variation ID: 13790). Algorithms developed to predict the effect of missense changes on protein structure and function are either unavailable or do not agree on the potential impact of this missense change (SIFT: "Deleterious"; PolyPhen-2: "Probably Damaging"; Align-GVGD: "Class C0"). Experimental studies have shown that this missense change affects PAX4 function (PMID: 15596543, 27334367). Algorithms developed to predict the effect of sequence changes on RNA splicing suggest that this variant may disrupt the consensus splice site. In summary, the available evidence is currently insufficient to determine the role of this variant in disease. Therefore, it has been classified as a Variant of Uncertain Significance.

Mendelics
Classification: Uncertain significance. Last evaluated: 2022-05-04. Review status: criteria provided, single submitter. Criteria: Mendelics Assertion Criteria 2019. Collection method: clinical testing. Allele origin: germline.

Clinical Genomics, Uppaluri K&H Personalized Medicine Clinic
Classification: Benign for Maturity-onset diabetes of the young. Review status: criteria provided, single submitter. Criteria: K & H Uppaluri Personalized Medicine Clinic Variant Classification & Assertion Criteria_Updated V.1. Collection method: research. Allele origin: somatic. Inheritance: Autosomal dominant inheritance. Affected: yes.
Comment: This PAX4 gene is associated with MODY. This particular variant (rs114202595) seems to be associated with Type II Diabetes Mellitus as well. However, more evidence is required for further validation of this variants impact via clinical studies.

OMIM
Classification: Pathogenic for TYPE 2 DIABETES MELLITUS. Last evaluated: 2001-12-01. Review status: no assertion criteria provided. Collection method: literature only. Allele origin: germline. Not counted in ClinVar's aggregate classification.

Literature cited by the submitters: PubMed 11723072 (cited by Labcorp Genetics (formerly Invitae), Labcorp and OMIM); PubMed 16423628 (cited by Labcorp Genetics (formerly Invitae), Labcorp); PubMed 31264968 (cited by Labcorp Genetics (formerly Invitae), Labcorp); PubMed 33031055 (cited by Labcorp Genetics (formerly Invitae), Labcorp); PubMed 15596543 (cited by Labcorp Genetics (formerly Invitae), Labcorp); PubMed 27334367 (cited by Labcorp Genetics (formerly Invitae), Labcorp); PubMed 21263211 (cited by Clinical Genomics, Uppaluri K&H Personalized Medicine Clinic).

NM_001366110.1(PAX4):c.385C>T (p.Arg129Trp)

Gene: PAX4 (paired box 4; minus strand). Cytogenetic location: 7q32.1.
Variant type: single nucleotide variant.
Coding change: c.385C>T on transcript NM_001366110.1 (MANE Select); coding-DNA position 385, C replaced by T.
Protein change: p.Arg129Trp; replaces arginine 129 with tryptophan.
Molecular consequence: missense variant.
Genome position (GRCh38, 1-based): chr7:127,614,533, G>A on the plus strand (C>T on the coding strand, the complement: PAX4 is on the minus strand). VCF-style: chr7-127614533-G-A. GRCh37 (hg19) VCF-style: chr7-127254587-G-A.
Other names: R121W; c.385C>T, p.Arg129Trp (NM_001366111.1); short protein forms R129W.
Identifiers: ClinVar variation 13790 (VCV000013790.9), dbSNP rs114202595, ClinGen allele CA123473.